The following is an entry in ClinVar:

ClinVar aggregate classification (germline): Pathogenic (1 of 4 stars; one submission).

Conditions:
Neurofibromatosis, type 1 (NF1). Also called: NEUROFIBROMATOSIS, TYPE I, SOMATIC; Neurofibromatosis, type I; Peripheral type neurofibromatosis; VON RECKLINGHAUSEN DISEASE. Identifiers: Orphanet 636, MedGen C0027831, MONDO:0018975, OMIM 162200. Disease mechanism: loss of function.

Submission:

Labcorp Genetics (formerly Invitae), Labcorp
Classification: Pathogenic for Neurofibromatosis, type 1. Last evaluated: 2022-02-04. Review status: criteria provided, single submitter. Criteria: Invitae Variant Classification Sherloc (09022015). Collection method: clinical testing. Allele origin: germline.
Comment: For these reasons, this variant has been classified as Pathogenic. Algorithms developed to predict the effect of sequence changes on RNA splicing suggest that this variant may create or strengthen a splice site. This variant has not been reported in the literature in individuals affected with NF1-related conditions. This variant is not present in population databases (gnomAD no frequency). This sequence change creates a premature translational stop signal (p.Glu836Asnfs*5) in the NF1 gene. It is expected to result in an absent or disrupted protein product. Loss-of-function variants in NF1 are known to be pathogenic (PMID: 10712197, 23913538).

Literature cited by the submitters: PubMed 10712197; PubMed 23913538.

NM_001042492.3(NF1):c.2506del (p.Glu836fs)

Gene: NF1 (neurofibromin 1; plus strand). Cytogenetic location: 17q11.2.
Variant type: Deletion.
Coding change: c.2506del on transcript NM_001042492.3 (MANE Select); coding-DNA position 2506, one base deleted (G; older notation c.2506delG).
Protein change: p.Glu836fs; shifts the reading frame from glutamic acid 836.
Molecular consequence: frameshift variant.
Genome position (GRCh38, 1-based): chr17:31,229,121, G deleted; the last of 2 consecutive G bases (chr17:31,229,120-31,229,121); deleting either gives the same sequence. VCF-style (leftmost placement, unchanged base first): chr17-31229119-AG-A. GRCh37 (hg19) VCF-style: chr17-29556137-AG-A.
Other names: c.2506delG, p.Glu836Asnfs (NM_000267.4); short protein forms E836fs.
Identifiers: ClinVar variation 2093253 (VCV002093253.4), dbSNP rs2508183027, ClinGen allele CA2580093274.